The following is an entry in ClinVar:

ClinVar aggregate classification (germline): Uncertain significance (1 of 4 stars; one submission).

Conditions:
Dilated cardiomyopathy 1Z (CMD1Z). Identifiers: Orphanet 154, MedGen C2678475, MONDO:0012745, OMIM 611879.
Hypertrophic cardiomyopathy 13. Also called: TNNC1-Related Familial Hypertrophic Cardiomyopathy. Identifiers: MedGen C2750472, MONDO:0013195, OMIM 613243.

Submission:

Labcorp Genetics (formerly Invitae), Labcorp
Classification: Uncertain significance for Hypertrophic cardiomyopathy 13; Dilated cardiomyopathy 1Z. Last evaluated: 2022-09-01. Review status: criteria provided, single submitter. Criteria: Invitae Variant Classification Sherloc (09022015). Collection method: clinical testing. Allele origin: germline.
Comment: In summary, the available evidence is currently insufficient to determine the role of this variant in disease. Therefore, it has been classified as a Variant of Uncertain Significance. Algorithms developed to predict the effect of missense changes on protein structure and function (SIFT, PolyPhen-2, Align-GVGD) all suggest that this variant is likely to be disruptive. ClinVar contains an entry for this variant (Variation ID: 1047522). This variant has not been reported in the literature in individuals affected with TNNC1-related conditions. This variant is not present in population databases (gnomAD no frequency). This sequence change replaces aspartic acid, which is acidic and polar, with glutamic acid, which is acidic and polar, at codon 65 of the TNNC1 protein (p.Asp65Glu).

NM_003280.3(TNNC1):c.195C>G (p.Asp65Glu)

Gene: TNNC1 (troponin C1, slow skeletal and cardiac type; minus strand). Cytogenetic location: 3p21.1.
Variant type: single nucleotide variant.
Coding change: c.195C>G on transcript NM_003280.3 (MANE Select); coding-DNA position 195, C replaced by G.
Protein change: p.Asp65Glu; replaces aspartic acid 65 with glutamic acid.
Molecular consequence: missense variant.
Genome position (GRCh38, 1-based): chr3:52,452,113, G>C on the plus strand (C>G on the coding strand, the complement: TNNC1 is on the minus strand). VCF-style: chr3-52452113-G-C. GRCh37 (hg19) VCF-style: chr3-52486129-G-C.
Other names: short protein forms D65E.
Identifiers: ClinVar variation 1047522 (VCV001047522.5), dbSNP rs370426309, ClinGen allele CA353167991.